The following is an entry in ClinVar:

ClinVar aggregate classification (germline): Uncertain significance (1 of 4 stars; one submission).

Allele frequency attached by ClinVar (database versions not stated): gnomAD exomes below 0.00001; gnomAD 0.00001; TOPMed 0.00001.
gnomAD v4.1: 7 of 1,614,054 alleles (0.00043%); highest among the groups gnomAD compares: Admixed American, 0.0017%; no homozygotes.

Submission:

Labcorp Genetics (formerly Invitae), Labcorp
Classification: Uncertain significance. Last evaluated: 2024-08-27. Review status: criteria provided, single submitter. Criteria: Invitae Variant Classification Sherloc (09022015). Collection method: clinical testing. Allele origin: germline.
Comment: This sequence change creates a premature translational stop signal (p.Arg648*) in the ANKZF1 gene. It is expected to result in an absent or disrupted protein product. However, the current clinical and genetic evidence is not sufficient to establish whether loss-of-function variants in ANKZF1 cause disease. This variant is present in population databases (no rsID available, gnomAD 0.0009%). This variant has not been reported in the literature in individuals affected with ANKZF1-related conditions. In summary, the available evidence is currently insufficient to determine the role of this variant in disease. Therefore, it has been classified as a Variant of Uncertain Significance.

NM_018089.3(ANKZF1):c.1942C>T (p.Arg648Ter)

Gene: ANKZF1 (ankyrin repeat and zinc finger peptidyl tRNA hydrolase 1; plus strand). Cytogenetic location: 2q35.
Variant type: single nucleotide variant.
Coding change: c.1942C>T on transcript NM_018089.3 (MANE Select); coding-DNA position 1942, C replaced by T.
Protein change: p.Arg648Ter; replaces arginine 648 with a stop codon.
Molecular consequence: nonsense.
Genome position (GRCh38, 1-based): chr2:219,235,846, C>T. VCF-style: chr2-219235846-C-T. GRCh37 (hg19) VCF-style: chr2-220100568-C-T.
Other names: c.1942C>T, p.Arg648Ter (NM_001042410.2); c.1312C>T, p.Arg438Ter (NM_001282792.2); short protein forms R438*, R648*.
Identifiers: ClinVar variation 2991292 (VCV002991292.3), dbSNP rs1294601421, ClinGen allele CA350688182.